The following is an entry in ClinVar:

ClinVar aggregate classification (germline): Benign/Likely benign. Review status: criteria provided, multiple submitters, no conflicts (2 of 4 stars). 2 submissions from 2 submitters: Benign (1); Likely benign (1). Last evaluated 2025-12-03.

Conditions:
SETBP1-related disorder. Also called: SETBP1-related condition; SETBP1-related disorders.

Allele frequency attached by ClinVar (database versions not stated): gnomAD 0.00001; gnomAD exomes 0.00004 and 0.00012; TOPMed 0.00008; ExAC 0.00034.
gnomAD v4.1: 56 of 1,464,948 alleles (0.0038%); highest among the groups gnomAD compares: East Asian, 0.16%; no homozygotes.

Submissions (2):

Labcorp Genetics (formerly Invitae), Labcorp
Classification: Benign. Last evaluated: 2025-12-03. Review status: criteria provided, single submitter. Criteria: Invitae Variant Classification Sherloc (09022015). Collection method: clinical testing. Allele origin: germline.

PreventionGenetics, part of Exact Sciences
Classification: Likely benign for SETBP1-related condition. Last evaluated: 2025-01-27. Review status: criteria provided, single submitter. Criteria: ACMG Guidelines, 2015. Collection method: clinical testing. Allele origin: germline.
Comment: This variant is classified as likely benign based on ACMG/AMP sequence variant interpretation guidelines (Richards et al. 2015 PMID: 25741868, with internal and published modifications).

NM_015559.3(SETBP1):c.4673A>T (p.Gln1558Leu)

Gene: SETBP1 (SET binding protein 1; plus strand). Cytogenetic location: 18q12.3.
Variant type: single nucleotide variant.
Coding change: c.4673A>T on transcript NM_015559.3 (MANE Select); coding-DNA position 4673, A replaced by T.
Protein change: p.Gln1558Leu; replaces glutamine 1558 with leucine.
Molecular consequence: missense variant.
Genome position (GRCh38, 1-based): chr18:45,063,580, A>T. VCF-style: chr18-45063580-A-T. GRCh37 (hg19) VCF-style: chr18-42643545-A-T.
Other names: c.4673A>T (NM_015559.2); c.4673A>T, p.Gln1558Leu (NM_001379141.1, NM_001379142.1); short protein forms Q1558L.
Identifiers: ClinVar variation 1534164 (VCV001534164.9), dbSNP rs764152367, ClinGen allele CA8946163.